The following is an entry in ClinVar:

ClinVar aggregate classification (germline): Conflicting classifications of pathogenicity. Review status: criteria provided, conflicting classifications (1 of 4 stars). 13 submissions from 12 submitters: Pathogenic (1); Likely pathogenic (3); Uncertain significance (6). 3 of the submissions do not count toward it. Last evaluated 2026-01-12.

Conditions:
Usher syndrome. Also called: Usher's syndrome; Usher Syndromes. Identifiers: Orphanet 886, MedGen CN469326, MeSH D052245, MONDO:0019501. Disease mechanism: loss of function.
USH2A-related disorder. Also called: USH2A-related condition; USH2A-related disorders. Identifiers: MedGen CN239332.
Retinitis pigmentosa 39 (RP39). Identifiers: Orphanet 791, MedGen C3151138, MONDO:0013436, OMIM 613809.
Usher syndrome type 2A. Also called: RETINAL DISEASE IN USHER SYNDROME TYPE IIA, MODIFIER OF; USHER SYNDROME, TYPE IIA. Identifiers: Orphanet 231178, Orphanet 886, MedGen C1848634, MONDO:0010169, OMIM 276901.
Retinitis pigmentosa (RP). Identifiers: Orphanet 791, MedGen C0035334, MeSH D012174, MONDO:0019200, OMIM 268000. Inheritance: Autosomal dominant, autosomal recessive and X linked inheritance.
Retinal dystrophy. Also called: Inherited retinal dystrophy. Identifiers: Orphanet 71862, MedGen C0854723, MeSH D058499, MONDO:0019118, HP:0000556.

Allele frequency attached by ClinVar (database versions not stated): gnomAD 0.00003 and below 0.00001; gnomAD exomes 0.00004 and 0.00010; ExAC 0.00013; TOPMed 0.00001.
gnomAD v4.1: 67 of 1,613,950 alleles (0.0042%); highest among the groups gnomAD compares: South Asian, 0.055%; 1 homozygote.

Submissions (13):

Labcorp Genetics (formerly Invitae), Labcorp
Classification: Pathogenic. Last evaluated: 2026-01-12. Review status: criteria provided, single submitter. Criteria: Invitae Variant Classification Sherloc (09022015). Collection method: clinical testing. Allele origin: germline.
Comment: This sequence change replaces asparagine, which is neutral and polar, with histidine, which is basic and polar, at codon 1343 of the USH2A protein (p.Asn1343His). This variant is present in population databases (rs754634823, gnomAD 0.07%), including at least one homozygous and/or hemizygous individual. This missense change has been observed in individual(s) with clinical features of autosomal recessive retinitis pigmentosa (PMID: 28041643; internal data). In at least one individual the data is consistent with being in trans (on the opposite chromosome) from a pathogenic variant. ClinVar contains an entry for this variant (Variation ID: 438020). Invitae Evidence Modeling of protein sequence and biophysical properties (such as structural, functional, and spatial information, amino acid conservation, physicochemical variation, residue mobility, and thermodynamic stability) has been performed for this missense variant. However, the output from this modeling did not meet the statistical confidence thresholds required to predict the impact of this variant on USH2A protein function. This variant disrupts the p.Asn1343 amino acid residue in USH2A. Other variant(s) that disrupt this residue have been determined to be pathogenic (PMID: 33926394). This suggests that this residue is clinically significant, and that variants that disrupt this residue are likely to be disease-causing. For these reasons, this variant has been classified as Pathogenic.

Myriad Genetics, Inc.
Classification: Uncertain significance for USH2A-related disorder. Last evaluated: 2025-07-30. Review status: criteria provided, single submitter. Criteria: Myriad Autosomal Dominant, Autosomal Recessive and X-Linked Classification Criteria (2023). Collection method: clinical testing. Allele origin: unknown.
Comment: NM_206933.2(USH2A):c.4027A>C(N1343H) is a missense variant classified as a variant of uncertain significance in the context of USH2A-related disorders. N1343H has been observed in cases with relevant disease (PMID: 38219857, 23591405). Relevant functional assessments of this variant are not available in the literature. N1343H has been observed in referenced population frequency databases. In summary, there is insufficient evidence to classify NM_206933.2(USH2A):c.4027A>C(N1343H) as pathogenic or benign. Please note: this variant was assessed in the context of healthy population screening.

Women's Health and Genetics/Laboratory Corporation of America, LabCorp
Classification: Likely pathogenic for Usher syndrome. Last evaluated: 2025-05-22. Review status: criteria provided, single submitter. Criteria: LabCorp Variant Classification Summary - May 2015. Collection method: clinical testing. Allele origin: germline.
Comment: Variant summary: USH2A c.4027A>C (p.Asn1343His) results in a conservative amino acid change in the encoded protein sequence. Algorithms developed to predict the effect of missense changes on protein structure and function are either unavailable or do not agree on the potential impact of this missense change. The variant allele was found at a frequency of 0.0001 in 251046 control chromosomes in the gnomAD database, including 1 homozygotes. This frequency is not significantly higher than estimated for a pathogenic variant in USH2A causing Usher Syndrome (0.0001 vs 0.011), allowing no conclusion about variant significance. c.4027A>C has been observed in an individual affected with Inherited retinal disease (Lin_2024). This variant was also detected in another individual with variants in another gene explaining the clinical phenotype (Glockle_2014). These data indicate that the variant may be associated with disease. To our knowledge, no experimental evidence demonstrating an impact on protein function has been reported. A different amino acid change in this codon, c.4029T>G; p.Asn1343Lys has been observed in multiple homozygous individuals affected with Keratoconus (KC) phenotype (PMID: 33926394) and has been classified as pathogenic. The following publications have been ascertained in the context of this evaluation (PMID: 23591405, 28041643, 38219857). ClinVar contains an entry for this variant (Variation ID: 438020). Based on the evidence outlined above, the variant was classified as likely pathogenic.

Blueprint Genetics
Classification: Likely pathogenic for USH2A-related disorders. Last evaluated: 2024-11-21. Review status: criteria provided, single submitter. Criteria: ACMG Guidelines, 2015. Collection method: clinical testing. Allele origin: germline. Affected: yes. Observed: 5 variant alleles.

Fulgent Genetics
Classification: Uncertain significance for Usher syndrome type 2A; Retinitis pigmentosa 39. Last evaluated: 2022-02-24. Review status: criteria provided, single submitter. Criteria: ACMG Guidelines, 2015. Collection method: clinical testing. Allele origin: unknown.

Institute of Human Genetics, Univ. Regensburg, Univ. Regensburg
Classification: Uncertain significance for Retinal dystrophy. Last evaluated: 2022-01-01. Review status: criteria provided, single submitter. Criteria: ACMG Guidelines, 2015. Collection method: clinical testing. Allele origin: germline. Affected: yes.

Genome-Nilou Lab
Classification: Uncertain significance for Usher syndrome type 2A. Last evaluated: 2021-07-22. Review status: criteria provided, single submitter. Criteria: ACMG Guidelines, 2015. Collection method: clinical testing. Allele origin: germline. Affected: no.

Genome-Nilou Lab
Classification: Uncertain significance for Retinitis pigmentosa 39. Last evaluated: 2021-07-22. Review status: criteria provided, single submitter. Criteria: ACMG Guidelines, 2015. Collection method: clinical testing. Allele origin: germline. Affected: no.

Broad Center for Mendelian Genomics, Broad Institute of MIT and Harvard
Classification: Uncertain significance for Usher syndrome type 2A. Last evaluated: 2018-12-03. Review status: criteria provided, single submitter. Criteria: ACMG Guidelines, 2015. Collection method: research. Allele origin: germline. Inheritance: Autosomal recessive inheritance. Affected: yes.
Comment: Although this variant has been seen in the general population, its frequency is low enough to be consistent with a recessive carrier frequency. Please note that for diseases with clinical variability, or reduced penetrance, pathogenic variants may be present, in a homozygous state, at a low frequency in the general population. Computational prediction tools and conservation analyses do not provide strong support for or against an impact to the protein. This variant has also been reported as a VUS and a likely pathogenic variant in ClinVar (Variation ID: 438020). This variant was seen in combination with another USH2A variant, which has not been reported in ClinVar, in one individual with retinitis pigmentosaa (PMID: 23591405). In summary, while there is some suspicion for a pathogenic role, the clinical significance of this variant is uncertain. ACMG/AMP Criteria applied: PM2 (Richards 2015).

Kariminejad - Najmabadi Pathology & Genetics Center
Classification: Likely pathogenic for Usher syndrome type 2A. Review status: criteria provided, single submitter. Criteria: ACMG Guidelines, 2015. Collection method: clinical testing. Allele origin: germline. Affected: no.

Natera, Inc.
Classification: Uncertain significance for Usher syndrome type 2A. Last evaluated: 2020-02-15. Review status: no assertion criteria provided. Collection method: clinical testing. Allele origin: germline. Not counted in ClinVar's aggregate classification.

Counsyl
Classification: Uncertain significance for Usher syndrome type 2A; Retinitis pigmentosa 39. Last evaluated: 2017-10-09. Review status: no assertion criteria provided. Collection method: clinical testing. Allele origin: unknown. Not counted in ClinVar's aggregate classification.

NIHR Bioresource Rare Diseases, University of Cambridge
Classification: Likely pathogenic for Retinitis pigmentosa. Last evaluated: 2015-01-01. Review status: no assertion criteria provided. Collection method: research. Allele origin: unknown. Affected: yes. Observed: 1 variant allele. Not counted in ClinVar's aggregate classification.

Literature cited by the submitters: PubMed 28041643 (cited by 6 submitters); PubMed 33926394 (cited by Labcorp Genetics (formerly Invitae), Labcorp); PubMed 23591405 (cited by 4 submitters); PubMed 38219857 (cited by Myriad Genetics, Inc. and Women's Health and Genetics/Laboratory Corporation of America, LabCorp); PubMed 3258136 (cited by Institute of Human Genetics, Univ. Regensburg, Univ. Regensburg).

NM_206933.4(USH2A):c.4027A>C (p.Asn1343His)

Genes: USH2A (usherin; minus strand), USH2A-AS1 (USH2A antisense RNA 1; plus strand). Cytogenetic location: 1q41.
Variant type: single nucleotide variant.
Coding change: c.4027A>C on transcript NM_206933.4 (MANE Select); coding-DNA position 4027, A replaced by C.
Protein change: p.Asn1343His; replaces asparagine 1343 with histidine.
Molecular consequence: missense variant.
Genome position (GRCh38, 1-based): chr1:216,198,369, T>G on the plus strand (A>C on the coding strand, the complement: USH2A is on the minus strand). VCF-style: chr1-216198369-T-G. GRCh37 (hg19) VCF-style: chr1-216371711-T-G.
Other names: c.4027A>C, p.Asn1343His (NM_007123.6); short protein forms N1343H.
Identifiers: ClinVar variation 438020 (VCV000438020.23), dbSNP rs754634823, ClinGen allele CA1395850.